The following is an entry in ClinVar:

ClinVar aggregate classification (germline): Uncertain significance (1 of 4 stars; one submission).

Allele frequency attached by ClinVar (database versions not stated): gnomAD 0.00001; ExAC 0.00005; TOPMed 0.00006; gnomAD exomes 0.00001.
gnomAD v4.1: 20 of 1,614,016 alleles (0.0012%); highest among the groups gnomAD compares: African/African-American, 0.0067%; no homozygotes.

Submission:

Labcorp Genetics (formerly Invitae), Labcorp
Classification: Uncertain significance. Last evaluated: 2022-08-23. Review status: criteria provided, single submitter. Criteria: Invitae Variant Classification Sherloc (09022015). Collection method: clinical testing. Allele origin: germline.
Comment: In summary, the available evidence is currently insufficient to determine the role of this variant in disease. Therefore, it has been classified as a Variant of Uncertain Significance. Algorithms developed to predict the effect of missense changes on protein structure and function output the following: SIFT: "Tolerated"; PolyPhen-2: "Benign"; Align-GVGD: "Class C0". The lysine amino acid residue is found in multiple mammalian species, which suggests that this missense change does not adversely affect protein function. This variant has not been reported in the literature in individuals affected with ADAMTS9-related conditions. This variant is present in population databases (rs775861579, gnomAD 0.008%). This sequence change replaces glutamic acid, which is acidic and polar, with lysine, which is basic and polar, at codon 1573 of the ADAMTS9 protein (p.Glu1573Lys).

NM_182920.2(ADAMTS9):c.4717G>A (p.Glu1573Lys)

Gene: ADAMTS9 (ADAM metallopeptidase with thrombospondin type 1 motif 9; minus strand). Cytogenetic location: 3p14.1.
Variant type: single nucleotide variant.
Coding change: c.4717G>A on transcript NM_182920.2 (MANE Select); coding-DNA position 4717, G replaced by A.
Protein change: p.Glu1573Lys; replaces glutamic acid 1573 with lysine.
Molecular consequence: missense variant.
Genome position (GRCh38, 1-based): chr3:64,551,044, C>T on the plus strand (G>A on the coding strand, the complement: ADAMTS9 is on the minus strand). VCF-style: chr3-64551044-C-T. GRCh37 (hg19) VCF-style: chr3-64536720-C-T.
Other names: c.4633G>A, p.Glu1545Lys (NM_001318781.2); short protein forms E1545K, E1573K.
Identifiers: ClinVar variation 2059604 (VCV002059604.4), dbSNP rs775861579, ClinGen allele CA2480404.